The following is an entry in ClinVar:

ClinVar aggregate classification (germline): Benign/Likely benign. Review status: criteria provided, multiple submitters, no conflicts (2 of 4 stars). 4 submissions from 4 submitters: Benign (1); Likely benign (3). Last evaluated 2025-01-08.

Conditions:
Hereditary nonpolyposis colorectal neoplasms. Identifiers: MedGen C0009405, MeSH D003123.
Lynch syndrome 5 (LYNCH5). Also called: Colorectal cancer, hereditary nonpolyposis, type 5; Hereditary non-polyposis colorectal cancer, type 5. Identifiers: Orphanet 144, MedGen C1833477, MONDO:0013710, OMIM 614350. Disease mechanism: loss of function.
Hereditary cancer-predisposing syndrome. Also called: Hereditary neoplastic syndrome; Hereditary Cancer Syndrome; Neoplastic Syndromes, Hereditary; Tumor predisposition. Identifiers: Orphanet 140162, MedGen C0027672, MeSH D009386, MONDO:0015356.

gnomAD v4.1: 1 of 1,614,064 alleles (0.000062%); highest among the groups gnomAD compares: Non-Finnish European, 0.000085%; no homozygotes.

Submissions (4):

Myriad Genetics, Inc.
Classification: Benign for Lynch syndrome 5. Last evaluated: 2025-01-08. Review status: criteria provided, single submitter. Criteria: Myriad Autosomal Dominant, Autosomal Recessive and X-Linked Classification Criteria (2023). Collection method: clinical testing. Allele origin: unknown.
Comment: This variant is considered benign. This variant is a silent/synonymous amino acid change and it is not expected to impact splicing.

Ambry Genetics
Classification: Likely benign for Hereditary cancer-predisposing syndrome. Last evaluated: 2024-03-29. Review status: criteria provided, single submitter. Criteria: Ambry Variant Classification Scheme 2023. Collection method: clinical testing. Allele origin: germline.

Labcorp Genetics (formerly Invitae), Labcorp
Classification: Likely benign for Hereditary nonpolyposis colorectal neoplasms. Last evaluated: 2023-02-22. Review status: criteria provided, single submitter. Criteria: Invitae Variant Classification Sherloc (09022015). Collection method: clinical testing. Allele origin: germline.

Color Diagnostics, LLC DBA Color Health
Classification: Likely benign for Hereditary cancer-predisposing syndrome. Last evaluated: 2022-10-31. Review status: criteria provided, single submitter. Criteria: ACMG Guidelines, 2015. Collection method: clinical testing. Allele origin: germline.

NM_000179.3(MSH6):c.3744C>T (p.His1248=)

Gene: MSH6 (mutS homolog 6; plus strand). Cytogenetic location: 2p16.3.
Variant type: single nucleotide variant.
Coding change: c.3744C>T on transcript NM_000179.3 (MANE Select); coding-DNA position 3744, C replaced by T.
Protein change: p.His1248=; no amino-acid change (histidine 1248 retained).
Molecular consequence: synonymous variant. On other transcripts: non-coding transcript variant (5).
Genome position (GRCh38, 1-based): chr2:47,806,301, C>T. VCF-style: chr2-47806301-C-T. GRCh37 (hg19) VCF-style: chr2-48033440-C-T.
Other names: c.3354C>T, p.His1118= (NM_001281492.2); c.2838C>T, p.His946= (NM_001281493.2, NM_001281494.2, NM_001406811.1 and 6 more transcripts); c.3840C>T, p.His1280= (NM_001406795.1, NM_001406802.1); c.3744C>T, p.His1248= (NM_001406796.1, NM_001406800.1, NM_001406808.1 and 1 more transcripts); c.3447C>T, p.His1149= (NM_001406797.1, NM_001406801.1, NM_001406805.1 and 10 more transcripts); c.3570C>T, p.His1190= (NM_001406798.1); c.3219C>T, p.His1073= (NM_001406799.1, NM_001406806.1, NM_001406807.1); c.2880C>T, p.His960= (NM_001406803.1); and 7 more.
Identifiers: ClinVar variation 2773667 (VCV002773667.7), dbSNP rs1670056970, ClinGen allele CA425998170.
Genomic context (GRCh38, chr2:47,806,301, plus strand): 5'-AAATGCAGTTGTTAAAGAACTTGCTGAGACTATAAAATGTCGTACATTATTTTCAACTCA[C>T]TACCATTCATTAGTAGAAGATTATTCTCAAAATGTTGCTGTGCGCCTAGGACATATGGTA-3'
Protein context (NP_000170.1, residues 1238-1258): TIKCRTLFST[His1248=]YHSLVEDYSQ